The following is an entry in ClinVar:

NM_007294.4(BRCA1):c.2127del (p.Phe709fs)

Gene: BRCA1 (BRCA1 DNA repair associated; minus strand). Cytogenetic location: 17q21.31.
Variant type: Deletion.
Coding change: c.2127del on transcript NM_007294.4 (MANE Select); coding-DNA position 2127, one base deleted (T; older notation c.2127delT).
Protein change: p.Phe709fs; shifts the reading frame from phenylalanine 709.
Molecular consequence: frameshift variant. On other transcripts: intron variant (137).
Genome position (GRCh38, 1-based): chr17:43,093,404, A deleted on the plus strand (T on the coding strand, the reverse complement: BRCA1 is on the minus strand); the first of 4 consecutive A bases (chr17:43,093,404-43,093,407); deleting any one gives the same sequence. VCF-style (leftmost placement, unchanged base first): chr17-43093403-TA-T. GRCh37 (hg19) VCF-style: chr17-41245420-TA-T.
Other names: 2246delT; c.2127delT (NM_007294.3); c.2124del, p.Phe708fs (NM_001407637.1, NM_001407638.1, NM_001407644.1 and 22 more transcripts); c.2127del, p.Phe709fs (NM_001407639.1, NM_001407640.1, NM_001407641.1 and 30 more transcripts); c.2118del, p.Phe706fs (NM_001407646.1, NM_001407647.1); c.2004del, p.Phe668fs (NM_001407648.1, NM_001407664.1, NM_001407665.1 and 19 more transcripts); c.2001del, p.Phe667fs (NM_001407649.1, NM_001407670.1, NM_001407671.1 and 11 more transcripts); c.2049del, p.Phe683fs (NM_001407653.1, NM_001407654.1, NM_001407655.1 and 4 more transcripts); and 44 more; short protein forms F662fs, F709fs, F641fs, F642fs, F706fs, F708fs, F541fs, F620fs.
Identifiers: ClinVar variation 266222 (VCV000266222.12), dbSNP rs397508939, ClinGen allele CA10589891.

ClinVar aggregate classification (germline): Pathogenic. Review status: reviewed by expert panel (3 of 4 stars). 4 submissions from 4 submitters: Pathogenic (1). 3 of the submissions do not count toward it. Last evaluated 2016-10-18.

Conditions:
Hereditary breast ovarian cancer syndrome. Also called: Hereditary breast and ovarian cancer syndrome (HBOC); Breast and ovarian cancer; Hereditary breast and ovarian cancer syndrome; Hereditary breast and ovarian cancer; BRCA1- and BRCA2-Associated Hereditary Breast and Ovarian Cancer; Hereditary breast and/or ovarian cancer syndrome. Identifiers: Orphanet 145, MedGen C0677776, MeSH D061325, MONDO:0003582. Disease mechanism: loss of function.
Breast-ovarian cancer, familial, susceptibility to, 1 (BROVCA1). Also called: BRCA1 Hereditary Breast and Ovarian Cancer; OVARIAN CANCER, SUSCEPTIBILITY TO. Identifiers: Orphanet 145, MedGen C2676676, MONDO:0011450, OMIM 604370. Disease mechanism: loss of function.
Hereditary cancer-predisposing syndrome. Also called: Hereditary Cancer Syndrome; Neoplastic Syndromes, Hereditary; Hereditary neoplastic syndrome; Tumor predisposition. Identifiers: Orphanet 140162, MedGen C0027672, MeSH D009386, MONDO:0015356.

Submissions (4):

Evidence-based Network for the Interpretation of Germline Mutant Alleles (ENIGMA)
Classification: Pathogenic for Breast-ovarian cancer, familial, susceptibility to, 1. Last evaluated: 2016-10-18. Review status: reviewed by expert panel. Criteria: ENIGMA BRCA1/2 Classification Criteria (2015). Collection method: curation. Allele origin: germline.
Comment: Variant allele predicted to encode a truncated non-functional protein.

Labcorp Genetics (formerly Invitae), Labcorp
Classification: Pathogenic for Hereditary breast ovarian cancer syndrome. Last evaluated: 2023-05-30. Review status: criteria provided, single submitter. Criteria: Invitae Variant Classification Sherloc (09022015). Collection method: clinical testing. Allele origin: germline. Not counted in ClinVar's aggregate classification.
Comment: For these reasons, this variant has been classified as Pathogenic. ClinVar contains an entry for this variant (Variation ID: 266222). This premature translational stop signal has been observed in individual(s) with breast cancer (PMID: 30982232). This variant is not present in population databases (gnomAD no frequency). This sequence change creates a premature translational stop signal (p.Phe709Leufs*27) in the BRCA1 gene. It is expected to result in an absent or disrupted protein product. Loss-of-function variants in BRCA1 are known to be pathogenic (PMID: 20104584).

Ambry Genetics
Classification: Pathogenic for Hereditary cancer-predisposing syndrome. Last evaluated: 2019-10-15. Review status: criteria provided, single submitter. Criteria: Ambry Variant Classification Scheme 2023. Collection method: clinical testing. Allele origin: germline. Not counted in ClinVar's aggregate classification.
Comment: The c.2127delT pathogenic mutation, located in coding exon 9 of the BRCA1 gene, results from a deletion of one nucleotide at nucleotide position 2127, causing a translational frameshift with a predicted alternate stop codon (p.F709Lfs*27). This alteration was identified in a large, worldwide study of BRCA1/2 mutation positive families (Rebbeck TR et al. Hum. Mutat., 2018 05;39:593-620). In addition to the information presented in the literature, this alteration is expected to result in loss of function by premature protein truncation or nonsense-mediated mRNA decay. As such, this alteration is interpreted as a disease-causing mutation.

Consortium of Investigators of Modifiers of BRCA1/2 (CIMBA), c/o University of Cambridge
Classification: Pathogenic for Breast-ovarian cancer, familial, susceptibility to, 1. Last evaluated: 2015-10-02. Review status: criteria provided, single submitter. Criteria: CIMBA Mutation Classification guidelines May 2016. Collection method: clinical testing. Allele origin: germline. Not counted in ClinVar's aggregate classification.

Literature cited by the submitters: PubMed 30982232 (cited by Labcorp Genetics (formerly Invitae), Labcorp); PubMed 20104584 (cited by Labcorp Genetics (formerly Invitae), Labcorp); PubMed 29446198 (cited by Ambry Genetics).